The following is an entry in ClinVar:

ClinVar aggregate classification (germline): Uncertain significance (1 of 4 stars; one submission).

Conditions:
Combined immunodeficiency due to ORAI1 deficiency. Also called: IMMUNODEFICIENCY 9. Identifiers: Orphanet 169090, Orphanet 317428, MedGen C2748568, MONDO:0013007, OMIM 612782.
Myopathy, tubular aggregate, 2 (TAM2). Identifiers: MedGen C4014557, MONDO:0014383, OMIM 615883.

Allele frequency attached by ClinVar (database versions not stated): gnomAD 0.00001.

Submission:

Labcorp Genetics (formerly Invitae), Labcorp
Classification: Uncertain significance for Myopathy, tubular aggregate, 2; Combined immunodeficiency due to ORAI1 deficiency. Last evaluated: 2023-02-04. Review status: criteria provided, single submitter. Criteria: Invitae Variant Classification Sherloc (09022015). Collection method: clinical testing. Allele origin: germline.
Comment: In summary, the available evidence is currently insufficient to determine the role of this variant in disease. Therefore, it has been classified as a Variant of Uncertain Significance. Experimental studies and prediction algorithms are not available or were not evaluated, and the functional significance of this variant is currently unknown. This variant has not been reported in the literature in individuals affected with ORAI1-related conditions. This variant is present in population databases (no rsID available, gnomAD 0.01%). This sequence change replaces glycine, which is neutral and non-polar, with serine, which is neutral and polar, at codon 26 of the ORAI1 protein (p.Gly26Ser).

NC_000012.12:g.121626818G>A

Genes: ORAI1 (ORAI calcium release-activated calcium modulator 1; plus strand), LOC130008987 (ATAC-STARR-seq lymphoblastoid silent region 4981; plus strand). Cytogenetic location: 12q24.31.
Variant type: single nucleotide variant.
Genome position: GRCh38 VCF-style: chr12-121626818-G-A. GRCh37 (hg19) VCF-style: chr12-122064723-G-A.
Other names: c.76G>A, p.Gly26Ser (NM_032790.4); short protein forms G26S.
Identifiers: ClinVar variation 1937802 (VCV001937802.5), dbSNP rs1555322494, ClinGen allele CA386980429.